The following is an entry in ClinVar:

NM_198428.3(BBS9):c.1562G>C (p.Arg521Pro)

Gene: BBS9 (Bardet-Biedl syndrome 9; plus strand). Cytogenetic location: 7p14.3.
Variant type: single nucleotide variant.
Coding change: c.1562G>C on transcript NM_198428.3 (MANE Select); coding-DNA position 1562, G replaced by C.
Protein change: p.Arg521Pro; replaces arginine 521 with proline.
Molecular consequence: missense variant. On other transcripts: non-coding transcript variant (3).
Genome position (GRCh38, 1-based): chr7:33,357,864, G>C. VCF-style: chr7-33357864-G-C. GRCh37 (hg19) VCF-style: chr7-33397476-G-C.
Other names: c.1457G>C, p.Arg486Pro (NM_001033604.2); c.1547G>C, p.Arg516Pro (NM_001033605.2); c.1562G>C, p.Arg521Pro (NM_001348036.1, NM_001348041.4, NM_001348043.3 and 1 more transcripts); c.1196G>C, p.Arg399Pro (NM_001348037.3, NM_001348045.3, NM_001348046.3); c.1289G>C, p.Arg430Pro (NM_001348038.3); c.1184G>C, p.Arg395Pro (NM_001348039.3); c.1442G>C, p.Arg481Pro (NM_001348040.3, NM_014451.4); c.1427G>C, p.Arg476Pro (NM_001348042.3); and 1 more; short protein forms R395P, R481P, R430P, R399P, R476P, R521P, R364P, R486P.
Identifiers: ClinVar variation 962113 (VCV000962113.7), dbSNP rs34218557, ClinGen allele CA4214435.

ClinVar aggregate classification (germline): Uncertain significance (1 of 4 stars; one submission).

Conditions:
Bardet-Biedl syndrome (BBS). Identifiers: Orphanet 110, MedGen C0752166, MONDO:0015229.

Allele frequency attached by ClinVar (database versions not stated): TOPMed 0.00001.
gnomAD v4.1: 13 of 1,611,636 alleles (0.00081%); highest among the groups gnomAD compares: Non-Finnish European, 0.0011%; no homozygotes.

Submission:

Labcorp Genetics (formerly Invitae), Labcorp
Classification: Uncertain significance for Bardet-Biedl syndrome. Last evaluated: 2021-09-01. Review status: criteria provided, single submitter. Criteria: Invitae Variant Classification Sherloc (09022015). Collection method: clinical testing. Allele origin: germline.
Comment: This sequence change replaces arginine with proline at codon 521 of the BBS9 protein (p.Arg521Pro). The arginine residue is highly conserved and there is a moderate physicochemical difference between arginine and proline. This variant is present in population databases (rs34218557, ExAC 0.002%). This variant has not been reported in the literature in individuals affected with BBS9-related conditions. Algorithms developed to predict the effect of missense changes on protein structure and function are either unavailable or do not agree on the potential impact of this missense change (SIFT: "Deleterious"; PolyPhen-2: "Probably Damaging"; Align-GVGD: "Class C0"). In summary, the available evidence is currently insufficient to determine the role of this variant in disease. Therefore, it has been classified as a Variant of Uncertain Significance.